The following is an entry in ClinVar:

ClinVar aggregate classification (germline): Pathogenic (1 of 4 stars; one submission).

Conditions:
Duchenne muscular dystrophy (DMD). Also called: Duchenne Muscular Dystrophy (DMD); MUSCULAR DYSTROPHY, PSEUDOHYPERTROPHIC PROGRESSIVE, DUCHENNE TYPE. Identifiers: Orphanet 98896, MedGen C0013264, MONDO:0010679, OMIM 310200.

Submission:

Labcorp Genetics (formerly Invitae), Labcorp
Classification: Pathogenic for Duchenne muscular dystrophy. Last evaluated: 2021-10-18. Review status: criteria provided, single submitter. Criteria: Invitae Variant Classification Sherloc (09022015). Collection method: clinical testing. Allele origin: germline.
Comment: For these reasons, this variant has been classified as Pathogenic. This variant has not been reported in the literature in individuals affected with DMD-related conditions. This variant is not present in population databases (ExAC no frequency). This sequence change creates a premature translational stop signal (p.Ser3224Lysfs*7) in the DMD gene. It is expected to result in an absent or disrupted protein product. Loss-of-function variants in DMD are known to be pathogenic (PMID: 16770791, 25007885).

Literature cited by the submitters: PubMed 16770791; PubMed 25007885.

NM_004006.3(DMD):c.9668_9669insG (p.Ser3224fs)

Gene: DMD (dystrophin; minus strand). Cytogenetic location: Xp21.2.
Variant type: Insertion.
Coding change: c.9668_9669insG on transcript NM_004006.3 (MANE Select); coding-DNA positions 9668 to 9669, G inserted.
Protein change: p.Ser3224fs; shifts the reading frame from serine 3224.
Molecular consequence: frameshift variant.
Genome position: GRCh38 VCF-style: chrX-31204099-T-TC. GRCh37 (hg19) VCF-style: chrX-31222216-T-TC.
Other names: c.9644_9645insG, p.Ser3216fs (NM_000109.4); c.9656_9657insG, p.Ser3220fs (NM_004009.3); c.9299_9300insG, p.Ser3101fs (NM_004010.3); c.5645_5646insG, p.Ser1883fs (NM_004011.4); c.5636_5637insG, p.Ser1880fs (NM_004012.4); c.2288_2289insG, p.Ser764fs (NM_004013.3, NM_004020.4, NM_004021.3 and 2 more transcripts); c.1481_1482insG, p.Ser495fs (NM_004014.3); c.464_465insG, p.Ser156fs (NM_004015.3, NM_004016.3, NM_004017.3 and 2 more transcripts); short protein forms S3220fs, S1880fs, S1883fs, S3101fs, S495fs, S764fs, S156fs, S3224fs.
Identifiers: ClinVar variation 1456111 (VCV001456111.6), dbSNP rs2148541841, ClinGen allele CA2573158730.